The following is an entry in ClinVar:

NM_001291415.2(KDM6A):c.619+5G>A

Gene: KDM6A (lysine demethylase 6A; plus strand). Cytogenetic location: Xp11.3.
Variant type: single nucleotide variant.
Coding change: c.619+5G>A on transcript NM_001291415.2 (MANE Select); 5 bases into the intron after coding-DNA position 619, G replaced by A.
Molecular consequence: intron variant.
Genome position (GRCh38, 1-based): chrX:45,034,990, G>A. VCF-style: chrX-45034990-G-A. GRCh37 (hg19) VCF-style: chrX-44894235-G-A.
Other names: c.619+5G>A (NM_001419809.1, NM_001419810.1, NM_001419813.1 and 9 more transcripts); c.-135+5G>A (NM_001291421.2).
Identifiers: ClinVar variation 2748835 (VCV002748835.3), dbSNP rs2147777563, ClinGen allele CA2697553060.

ClinVar aggregate classification (germline): Uncertain significance (1 of 4 stars; one submission).

Conditions:
Kabuki syndrome 2 (KABUK2). Also called: KDM6A-Related Kabuki Syndrome. Identifiers: Orphanet 2322, MedGen C3275495, MONDO:0010465, OMIM 300867.

Submission:

Labcorp Genetics (formerly Invitae), Labcorp
Classification: Uncertain significance for Kabuki syndrome 2. Last evaluated: 2023-05-29. Review status: criteria provided, single submitter. Criteria: Invitae Variant Classification Sherloc (09022015). Collection method: clinical testing. Allele origin: germline.
Comment: In summary, the available evidence is currently insufficient to determine the role of this variant in disease. Therefore, it has been classified as a Variant of Uncertain Significance. Variants that disrupt the consensus splice site are a relatively common cause of aberrant splicing (PMID: 17576681, 9536098). Algorithms developed to predict the effect of sequence changes on RNA splicing suggest that this variant may disrupt the consensus splice site. This variant has not been reported in the literature in individuals affected with KDM6A-related conditions. This variant is not present in population databases (gnomAD no frequency). This sequence change falls in intron 7 of the KDM6A gene. It does not directly change the encoded amino acid sequence of the KDM6A protein. It affects a nucleotide within the consensus splice site.

Literature cited by the submitters: PubMed 17576681; PubMed 9536098.